The following is an entry in ClinVar:

ClinVar aggregate classification (germline): Uncertain significance (1 of 4 stars; one submission).

Conditions:
Duchenne muscular dystrophy (DMD). Also called: MUSCULAR DYSTROPHY, PSEUDOHYPERTROPHIC PROGRESSIVE, DUCHENNE TYPE; Duchenne Muscular Dystrophy (DMD). Identifiers: Orphanet 98896, MedGen C0013264, MONDO:0010679, OMIM 310200.

Submission:

Labcorp Genetics (formerly Invitae), Labcorp
Classification: Uncertain significance for Duchenne muscular dystrophy. Last evaluated: 2023-06-30. Review status: criteria provided, single submitter. Criteria: Invitae Variant Classification Sherloc (09022015). Collection method: clinical testing. Allele origin: unknown.
Comment: In summary, the available evidence is currently insufficient to determine the role of this variant in disease. Therefore, it has been classified as a Variant of Uncertain Significance. Experimental studies and prediction algorithms are not available or were not evaluated, and the functional significance of this variant is currently unknown. A similar copy number variant has been observed in individual(s) with clinical features of DMD-related conditions (PMID: 19937601). This variant results in a copy number gain of the genomic region encompassing exon(s) 5-27 of the DMD gene. While the exact position of this variant cannot be determined from the data, sub-genic copy number gains are generally in tandem (PMID: 25640679). This variant is predicted to be in-frame, and likely preserves the integrity of the reading frame.

Literature cited by the submitters: PubMed 19937601; PubMed 25640679.

NC_000023.10:g.(?_32466553)_(32841967_?)dup

Gene: DMD (dystrophin; minus strand). Cytogenetic location: Xp21.1.
Variant type: Duplication.
Identifiers: ClinVar variation 3243176 (VCV003243176.1).